The following is an entry in ClinVar:

ClinVar aggregate classification (germline): Uncertain significance (1 of 4 stars; one submission).

Submission:

Labcorp Genetics (formerly Invitae), Labcorp
Classification: Uncertain significance. Last evaluated: 2021-06-12. Review status: criteria provided, single submitter. Criteria: Invitae Variant Classification Sherloc (09022015). Collection method: clinical testing. Allele origin: germline.
Comment: In summary, the available evidence is currently insufficient to determine the role of this variant in disease. Therefore, it has been classified as a Variant of Uncertain Significance. Experimental studies and prediction algorithms are not available or were not evaluated, and the functional significance of this variant is currently unknown. This variant has not been reported in the literature in individuals with DEAF1-related conditions. The frequency data for this variant in the population databases is considered unreliable, as metrics indicate insufficient coverage at this position in the ExAC database. This variant, c.72_95dup, results in the insertion of 8 amino acid(s) to the DEAF1 protein (p.Val25_Ala32dup), but otherwise preserves the integrity of the reading frame.

NM_021008.4(DEAF1):c.72_95dup (p.Ala32_Ala33insValAlaAlaAlaAlaAlaAlaAla)

Gene: DEAF1 (DEAF1 transcription factor; minus strand). Cytogenetic location: 11p15.5.
Variant type: Duplication.
Coding change: c.72_95dup on transcript NM_021008.4 (MANE Select); coding-DNA positions 72 to 95, 24 bases duplicated (TGTGGCGGCGGCGGCCGCGGCCGC).
Protein change: p.Ala32_Ala33insValAlaAlaAlaAlaAlaAlaAla.
Molecular consequence: inframe insertion. On other transcripts: inframe indel (1), intron variant (1).
Genome position (GRCh38, 1-based): chr11:694,953-694,976, GCGGCCGCGGCCGCCGCCGCCACA duplicated on the plus strand (TGTGGCGGCGGCGGCCGCGGCCGC on the coding strand, the reverse complement: DEAF1 is on the minus strand); duplicating any 24 consecutive bases within chr11:694,953-694,991 gives the same sequence; the c. name uses the placement nearest the transcript's 3' end. VCF-style (leftmost placement, unchanged base first): chr11-694952-C-CGCGGCCGCGGCCGCCGCCGCCACA. GRCh37 (hg19) VCF-style: chr11-694952-C-CGCGGCCGCGGCCGCCGCCGCCACA.
Other names: c.57_80dup, p.Ala32_Ala33insValAlaAlaAlaAlaAlaAlaAla (NM_001293634.2); c.-437-3378_-437-3355dup (NM_001367390.1).
Identifiers: ClinVar variation 1481003 (VCV001481003.8), dbSNP rs752994574, ClinGen allele CA597021092.